The following is an entry in ClinVar:

ClinVar aggregate classification (germline): Uncertain significance. Review status: criteria provided, multiple submitters, no conflicts (2 of 4 stars). 2 submissions from 2 submitters: Uncertain significance (2). Last evaluated 2024-02-27.

Conditions:
Inborn genetic diseases. Identifiers: MedGen C0950123, MeSH D030342.

Allele frequency attached by ClinVar (database versions not stated): gnomAD 0.00001; gnomAD exomes 0.00001 and 0.00002; TOPMed 0.00002.
gnomAD v4.1: 16 of 1,551,606 alleles (0.001%); highest among the groups gnomAD compares: East Asian, 0.0049%; no homozygotes.

Submissions (2):

Ambry Genetics
Classification: Uncertain significance for Inborn genetic diseases. Last evaluated: 2024-02-27. Review status: criteria provided, single submitter. Criteria: Ambry Variant Classification Scheme 2023. Collection method: clinical testing. Allele origin: germline.

Labcorp Genetics (formerly Invitae), Labcorp
Classification: Uncertain significance. Last evaluated: 2024-02-24. Review status: criteria provided, single submitter. Criteria: Invitae Variant Classification Sherloc (09022015). Collection method: clinical testing. Allele origin: germline.
Comment: This sequence change replaces isoleucine, which is neutral and non-polar, with valine, which is neutral and non-polar, at codon 2627 of the UNC80 protein (p.Ile2627Val). This variant is present in population databases (no rsID available, gnomAD 0.01%). This variant has not been reported in the literature in individuals affected with UNC80-related conditions. ClinVar contains an entry for this variant (Variation ID: 1449057). Advanced modeling of protein sequence and biophysical properties (such as structural, functional, and spatial information, amino acid conservation, physicochemical variation, residue mobility, and thermodynamic stability) performed at Invitae indicates that this missense variant is not expected to disrupt UNC80 protein function with a negative predictive value of 80%. In summary, the available evidence is currently insufficient to determine the role of this variant in disease. Therefore, it has been classified as a Variant of Uncertain Significance.

NM_001371986.1(UNC80):c.8077A>G (p.Ile2693Val)

Gene: UNC80 (unc-80 homolog, NALCN channel complex subunit; plus strand). Cytogenetic location: 2q34.
Variant type: single nucleotide variant.
Coding change: c.8077A>G on transcript NM_001371986.1 (MANE Select); coding-DNA position 8077, A replaced by G.
Protein change: p.Ile2693Val; replaces isoleucine 2693 with valine.
Molecular consequence: missense variant.
Genome position (GRCh38, 1-based): chr2:209,969,838, A>G. VCF-style: chr2-209969838-A-G. GRCh37 (hg19) VCF-style: chr2-210834562-A-G.
Other names: c.7879A>G, p.Ile2627Val (NM_032504.2); c.7864A>G, p.Ile2622Val (NM_182587.4); c.7879A>G (NM_032504.1); short protein forms I2627V, I2693V, I2622V.
Identifiers: ClinVar variation 1449057 (VCV001449057.6), dbSNP rs913400163, ClinGen allele CA65045461.